The following is an entry in ClinVar:

NM_001040.5(SHBG):c.867T>C (p.Ser289=)

Gene: SHBG (sex hormone binding globulin; plus strand). Cytogenetic location: 17p13.1.
Variant type: single nucleotide variant.
Coding change: c.867T>C on transcript NM_001040.5 (MANE Select); coding-DNA position 867, T replaced by C.
Protein change: p.Ser289=; no amino-acid change (serine 289 retained).
Molecular consequence: synonymous variant. On other transcripts: intron variant (3).
Genome position (GRCh38, 1-based): chr17:7,632,766, T>C. VCF-style: chr17-7632766-T-C. GRCh37 (hg19) VCF-style: chr17-7536084-T-C.
Other names: c.813T>C, p.Ser271= (NM_001146279.3); c.693T>C, p.Ser231= (NM_001289113.2, NM_001289114.2); c.519T>C, p.Ser173= (NM_001289116.2); c.679-438T>C (NM_001289115.2); c.853-438T>C (NM_001146280.3); c.716-438T>C (NM_001146281.3).
Identifiers: ClinVar variation 2647367 (VCV002647367.24), dbSNP rs6261, ClinGen allele CA8354426.

ClinVar aggregate classification (germline): Likely benign (1 of 4 stars; one submission).

Allele frequency attached by ClinVar (database versions not stated): gnomAD exomes 0.00004; ExAC 0.00013; 1000 Genomes Project 0.00040; ESP Exome Variant Server 0.00046; gnomAD 0.00046; TOPMed 0.00046; 1000 Genomes Project 30x 0.00062.
gnomAD v4.1: 141 of 1,613,660 alleles (0.0087%); highest among the groups gnomAD compares: African/African-American, 0.16%; 1 homozygote.

Submission:

CeGaT Center for Human Genetics Tuebingen
Classification: Likely benign. Last evaluated: 2022-09-01. Review status: criteria provided, single submitter. Criteria: CeGaT Center For Human Genetics Tuebingen Variant Classification Criteria Version 2. Collection method: clinical testing. Allele origin: germline. Affected: yes. Observed: 1 variant allele.
Comment: SHBG: BP4, BP7